The following is an entry in ClinVar:

ClinVar aggregate classification (germline): Uncertain significance. Review status: criteria provided, multiple submitters, no conflicts (2 of 4 stars). 2 submissions from 2 submitters: Uncertain significance (2). Last evaluated 2025-10-12.

Conditions:
Aldosterone-producing adenoma with seizures and neurological abnormalities. Also called: Primary aldosteronism, seizures, and neurologic abnormalities. Identifiers: Orphanet 369929, MedGen C3809609, MONDO:0014200, OMIM 615474.

Allele frequency attached by ClinVar (database versions not stated): TOPMed below 0.00001; gnomAD exomes 0.00001.

Submissions (2):

Labcorp Genetics (formerly Invitae), Labcorp
Classification: Uncertain significance. Last evaluated: 2025-10-12. Review status: criteria provided, single submitter. Criteria: Invitae Variant Classification Sherloc (09022015). Collection method: clinical testing. Allele origin: germline.
Comment: This sequence change replaces methionine, which is neutral and non-polar, with lysine, which is basic and polar, at codon 1112 of the CACNA1D protein (p.Met1112Lys). This variant is not present in population databases (gnomAD no frequency). This variant has not been reported in the literature in individuals affected with CACNA1D-related conditions. ClinVar contains an entry for this variant (Variation ID: 3236559). Invitae Evidence Modeling of protein sequence and biophysical properties (such as structural, functional, and spatial information, amino acid conservation, physicochemical variation, residue mobility, and thermodynamic stability) indicates that this missense variant is not expected to disrupt CACNA1D protein function with a negative predictive value of 80%. In summary, the available evidence is currently insufficient to determine the role of this variant in disease. Therefore, it has been classified as a Variant of Uncertain Significance.

Clinical Genomics Laboratory, Washington University in St. Louis
Classification: Uncertain significance for Aldosterone-producing adenoma with seizures and neurological abnormalities. Last evaluated: 2023-12-13. Review status: criteria provided, single submitter. Criteria: ACMG Guidelines, 2015. Collection method: clinical testing. Allele origin: germline.
Comment: The CACNA1D c.3275T>A (p.Met1092Lys) variant, to our knowledge, has not been reported in the medical literature and is absent from the general population (gnomAD v.2.1.1), indicating it is not a common variant. This variant is predicted to occur in an alpha helix in a transmembrane domain (Pinggera A and Striessnig J. PMID: 26842699), changes a non-polar methionine to a positively charged lysine, and computational predictors indicate that the variant is damaging, evidence that correlates with impact to CACNA1D function. However, due to limited information, and based on ACMG/AMP guidelines for variant interpretation (Richards S et al., PMID: 25741868), the clinical significance of this variant is uncertain at this time.

NM_001128840.3(CACNA1D):c.3275T>A (p.Met1092Lys)

Gene: CACNA1D (calcium voltage-gated channel subunit alpha1 D; plus strand). Cytogenetic location: 3p21.1.
Variant type: single nucleotide variant.
Coding change: c.3275T>A on transcript NM_001128840.3 (MANE Select); coding-DNA position 3275, T replaced by A.
Protein change: p.Met1092Lys; replaces methionine 1092 with lysine.
Molecular consequence: missense variant.
Genome position (GRCh38, 1-based): chr3:53,747,409, T>A. VCF-style: chr3-53747409-T-A. GRCh37 (hg19) VCF-style: chr3-53781436-T-A.
Other names: c.3335T>A, p.Met1112Lys (NM_000720.4); c.3275T>A, p.Met1092Lys (NM_001128839.3); short protein forms M1092K, M1112K.
Identifiers: ClinVar variation 3236559 (VCV003236559.2), dbSNP rs1278836153, ClinGen allele CA353247756.